The following is an entry in ClinVar:

ClinVar aggregate classification (germline): Uncertain significance (1 of 4 stars; one submission).

Conditions:
Charcot-Marie-Tooth disease dominant intermediate B (CMTDIB). Also called: Charcot-Marie-Tooth disease dominant intermediate 1; CMT DI1; Charcot-Marie-Tooth disease dominant intermediate I; CHARCOT-MARIE-TOOTH NEUROPATHY, DOMINANT INTERMEDIATE B. Identifiers: Orphanet 100044, Orphanet 228179, MedGen C1847902, MONDO:0011674, OMIM 606482.

Submission:

Labcorp Genetics (formerly Invitae), Labcorp
Classification: Uncertain significance for Charcot-Marie-Tooth disease dominant intermediate B. Last evaluated: 2019-05-02. Review status: criteria provided, single submitter. Criteria: Invitae Variant Classification Sherloc (09022015). Collection method: clinical testing. Allele origin: germline.
Comment: This sequence change replaces valine with leucine at codon 428 of the DNM2 protein (p.Val428Leu). The valine residue is highly conserved and there is a small physicochemical difference between valine and leucine. This variant is not present in population databases (ExAC no frequency). This variant has not been reported in the literature in individuals with DNM2-related conditions. Algorithms developed to predict the effect of missense changes on protein structure and function are either unavailable or do not agree on the potential impact of this missense change (SIFT: "Deleterious"; PolyPhen-2: "Possibly Damaging"; Align-GVGD: "Class C0"). In summary, the available evidence is currently insufficient to determine the role of this variant in disease. Therefore, it has been classified as a Variant of Uncertain Significance.

NM_001005361.3(DNM2):c.1196+707G>C

Gene: DNM2 (dynamin 2; plus strand). Cytogenetic location: 19p13.2.
Variant type: single nucleotide variant.
Coding change: c.1196+707G>C on transcript NM_001005361.3 (MANE Select); 707 bases into the intron after coding-DNA position 1196, G replaced by C.
Molecular consequence: intron variant. On other transcripts: missense variant (3).
Genome position (GRCh38, 1-based): chr19:10,796,146, G>C. VCF-style: chr19-10796146-G-C. GRCh37 (hg19) VCF-style: chr19-10906822-G-C.
Other names: c.1282G>C, p.Val428Leu (NM_001005360.3, NM_001190716.2, NM_004945.4); c.1196+707G>C (NM_001005362.3); short protein forms V428L.
Identifiers: ClinVar variation 946854 (VCV000946854.9), dbSNP rs2071924630, ClinGen allele CA404048929.